The following is an entry in ClinVar:

NM_012310.5(KIF4A):c.1322C>A (p.Ala441Glu)

Gene: KIF4A (kinesin family member 4A; plus strand). Cytogenetic location: Xq13.1.
Variant type: single nucleotide variant.
Coding change: c.1322C>A on transcript NM_012310.5 (MANE Select); coding-DNA position 1322, C replaced by A.
Protein change: p.Ala441Glu; replaces alanine 441 with glutamic acid.
Molecular consequence: missense variant.
Genome position (GRCh38, 1-based): chrX:70,343,758, C>A. VCF-style: chrX-70343758-C-A. GRCh37 (hg19) VCF-style: chrX-69563608-C-A.
Other names: short protein forms A441E.
Identifiers: ClinVar variation 3368357 (VCV003368357.1).

ClinVar aggregate classification (germline): Uncertain significance (1 of 4 stars; one submission).

gnomAD v4.1: 1 of 1,209,959 alleles (0.000083%); highest among the groups gnomAD compares: Non-Finnish European, 0.00011%; no homozygotes.

Submission:

GeneDx
Classification: Uncertain significance. Last evaluated: 2024-01-29. Review status: criteria provided, single submitter. Criteria: GeneDx Variant Classification Process June 2021. Collection method: clinical testing. Allele origin: germline. Affected: yes.
Comment: Not observed at significant frequency in large population cohorts (gnomAD); In silico analysis supports that this missense variant does not alter protein structure/function; Has not been previously published as pathogenic or benign to our knowledge